The following is an entry in ClinVar:

NM_000143.4(FH):c.1247T>C (p.Val416Ala)

Gene: FH (fumarate hydratase; minus strand). Cytogenetic location: 1q43.
Variant type: single nucleotide variant.
Coding change: c.1247T>C on transcript NM_000143.4 (MANE Select); coding-DNA position 1247, T replaced by C.
Protein change: p.Val416Ala; replaces valine 416 with alanine.
Molecular consequence: missense variant.
Genome position (GRCh38, 1-based): chr1:241,500,580, A>G on the plus strand (T>C on the coding strand, the complement: FH is on the minus strand). VCF-style: chr1-241500580-A-G. GRCh37 (hg19) VCF-style: chr1-241663880-A-G.
Other names: short protein forms V416A.
Identifiers: ClinVar variation 4024830 (VCV004024830.1).

ClinVar aggregate classification (germline): Uncertain significance (1 of 4 stars; one submission).

Conditions:
Hereditary cancer-predisposing syndrome. Also called: Tumor predisposition; Hereditary neoplastic syndrome; Neoplastic Syndromes, Hereditary; Hereditary Cancer Syndrome. Identifiers: Orphanet 140162, MedGen C0027672, MeSH D009386, MONDO:0015356.

Submission:

Ambry Genetics
Classification: Uncertain significance for Hereditary cancer-predisposing syndrome. Last evaluated: 2025-05-04. Review status: criteria provided, single submitter. Criteria: Ambry Variant Classification Scheme 2023. Collection method: clinical testing. Allele origin: germline.
Comment: The p.V416A variant (also known as c.1247T>C), located in coding exon 9 of the FH gene, results from a T to C substitution at nucleotide position 1247. The valine at codon 416 is replaced by alanine, an amino acid with similar properties. This amino acid position is conserved. In addition, this alteration is predicted to be deleterious by in silico analysis. Based on the available evidence, the clinical significance of this variant remains unclear.